The following is an entry in ClinVar:

ClinVar aggregate classification (germline): Likely benign (1 of 4 stars; one submission).

Submission:

CeGaT Center for Human Genetics Tuebingen
Classification: Likely benign. Last evaluated: 2026-01-01. Review status: criteria provided, single submitter. Criteria: CeGaT Center For Human Genetics Tuebingen Variant Classification Criteria Version 2. Collection method: clinical testing. Allele origin: germline. Affected: yes. Observed: 1 variant allele.
Comment: SLC32A1: PM2:Supporting, BP4, BP7

NM_080552.3(SLC32A1):c.1161G>T (p.Val387=)

Gene: SLC32A1 (solute carrier family 32 member 1; plus strand). Cytogenetic location: 20q11.23.
Variant type: single nucleotide variant.
Coding change: c.1161G>T on transcript NM_080552.3 (MANE Select); coding-DNA position 1161, G replaced by T.
Protein change: p.Val387=; no amino-acid change (valine 387 retained).
Molecular consequence: synonymous variant.
Genome position (GRCh38, 1-based): chr20:38,728,222, G>T. VCF-style: chr20-38728222-G-T. GRCh37 (hg19) VCF-style: chr20-37356865-G-T.
Identifiers: ClinVar variation 4822512 (VCV004822512.4).
Genomic context (GRCh38, chr20:38,728,222, plus strand): 5'-GGAGGTCATCACGGATAACCTGCCCGGCTCCATCCGCGCCGTGGTCAACATCTTTCTGGT[G>T]GCCAAGGCGCTGTTGTCCTATCCTCTGCCATTCTTTGCCGCTGTCGAGGTGCTGGAGAAG-3'
Protein context (NP_542119.1, residues 377-397): SIRAVVNIFL[Val387=]AKALLSYPLP